The following is an entry in ClinVar:

ClinVar aggregate classification (germline): Uncertain significance. Review status: criteria provided, multiple submitters, no conflicts (2 of 4 stars). 2 submissions from 2 submitters: Uncertain significance (2). Last evaluated 2025-09-10.

Conditions:
Orthostatic hypotension 1 (ORTHYP1). Also called: NORADRENALINE DEFICIENCY; NOREPINEPHRINE DEFICIENCY; Dopamine beta-hydroxylase deficiency; Orthostatic hypotension 1, due to DBH deficiency. Identifiers: Orphanet 230, MedGen C4746777, MONDO:0009123, OMIM 223360.
Inborn genetic diseases. Identifiers: MedGen C0950123, MeSH D030342.

Allele frequency attached by ClinVar (database versions not stated): gnomAD exomes 0.00002; gnomAD 0.00004; TOPMed 0.00005; ExAC 0.00007.
gnomAD v4.1: 43 of 1,613,520 alleles (0.0027%); highest among the groups gnomAD compares: Admixed American, 0.0083%; no homozygotes.

Submissions (2):

Ambry Genetics
Classification: Uncertain significance for Inborn genetic diseases. Last evaluated: 2025-09-10. Review status: criteria provided, single submitter. Criteria: Ambry Variant Classification Scheme 2023. Collection method: clinical testing. Allele origin: germline.

Labcorp Genetics (formerly Invitae), Labcorp
Classification: Uncertain significance for Orthostatic hypotension 1. Last evaluated: 2022-07-21. Review status: criteria provided, single submitter. Criteria: Invitae Variant Classification Sherloc (09022015). Collection method: clinical testing. Allele origin: germline.
Comment: This sequence change replaces arginine, which is basic and polar, with glutamine, which is neutral and polar, at codon 79 of the DBH protein (p.Arg79Gln). This variant is present in population databases (rs756380496, gnomAD 0.01%). This variant has not been reported in the literature in individuals affected with DBH-related conditions. Algorithms developed to predict the effect of missense changes on protein structure and function output the following: SIFT: "Tolerated"; PolyPhen-2: "Benign"; Align-GVGD: "Class C0". The glutamine amino acid residue is found in multiple mammalian species, which suggests that this missense change does not adversely affect protein function. Algorithms developed to predict the effect of sequence changes on RNA splicing suggest that this variant may create or strengthen a splice site. In summary, the available evidence is currently insufficient to determine the role of this variant in disease. Therefore, it has been classified as a Variant of Uncertain Significance.

NM_000787.4(DBH):c.236G>A (p.Arg79Gln)

Gene: DBH (dopamine beta-hydroxylase; plus strand). Cytogenetic location: 9q34.2.
Variant type: single nucleotide variant.
Coding change: c.236G>A on transcript NM_000787.4 (MANE Select); coding-DNA position 236, G replaced by A.
Protein change: p.Arg79Gln; replaces arginine 79 with glutamine.
Molecular consequence: missense variant.
Genome position (GRCh38, 1-based): chr9:133,636,607, G>A. VCF-style: chr9-133636607-G-A. GRCh37 (hg19) VCF-style: chr9-136501729-G-A.
Other names: c.236G>A (NM_000787.3); short protein forms R79Q.
Identifiers: ClinVar variation 2142096 (VCV002142096.3), dbSNP rs756380496, ClinGen allele CA5312978.
Genomic context (GRCh38, chr9:133,636,607, plus strand): 5'-TGGAGCTCTCATGGAATGTCAGCTACACCCAGGAGGCCATCCATTTCCAGCTCCTGGTGC[G>A]GAGGCTCAAGGCTGGCGTCCTGTTTGGGATGTCCGACCGTGGCGAGCTTGAGAACGCAGA-3'
Protein context (NP_000778.3, residues 69-89): QEAIHFQLLV[Arg79Gln]RLKAGVLFGM